The following is an entry in ClinVar:

NM_212482.4(FN1):c.1364A>T (p.Asp455Val)

Genes: FN1 (fibronectin 1; minus strand), LOC126806498 (CDK7 strongly-dependent group 2 enhancer GRCh37_chr2:216288045-216289244; plus strand). Cytogenetic location: 2q35.
Variant type: single nucleotide variant.
Coding change: c.1364A>T on transcript NM_212482.4 (MANE Select); coding-DNA position 1364, A replaced by T.
Protein change: p.Asp455Val; replaces aspartic acid 455 with valine.
Molecular consequence: missense variant.
Genome position (GRCh38, 1-based): chr2:215,423,379, T>A on the plus strand (A>T on the coding strand, the complement: FN1 is on the minus strand). VCF-style: chr2-215423379-T-A. GRCh37 (hg19) VCF-style: chr2-216288102-T-A.
Other names: c.1364A>T, p.Asp455Val (NM_001306129.2, NM_001306130.2, NM_001306131.2 and 14 more transcripts); short protein forms D455V.
Identifiers: ClinVar variation 3254670 (VCV003254670.2), dbSNP rs2470364451.

ClinVar aggregate classification (germline): Uncertain significance (1 of 4 stars; one submission).

Conditions:
Glomerulopathy with fibronectin deposits 2 (GFND2). Identifiers: Orphanet 84090, MedGen C1866075, MONDO:0011165, OMIM 601894.

Submission:

Victorian Clinical Genetics Services, Murdoch Childrens Research Institute
Classification: Uncertain significance for Glomerulopathy with fibronectin deposits 2. Last evaluated: 2024-09-20. Review status: criteria provided, single submitter. Criteria: ACMG Guidelines, 2015. Collection method: clinical testing. Allele origin: germline. Inheritance: Autosomal dominant inheritance. Affected: yes.
Comment: Based on the classification scheme VCGS_Germline_v1.3.4, this variant is classified as VUS-3B. Following criteria are met: 0105 - The mechanism of disease for this gene is not clearly established. However, loss of function has been suggested based on mutant proteins not being secreted and subsequent intracellular accumulation (PMID: 29100092). (I) 0107 - This gene is associated with autosomal dominant disease. Variants associated with glomerulopathy with fibronectin deposits 2 (MIM#601894) lie within the C-terminus, while variants associated with spondylometaphyseal dysplasia, corner fracture type (MIM#184255) lie within the N-terminus (domains I-1 to I-5) and often affect the cysteine residues involved in disulphide bonds (PMIDs: 29100092, 32200603). (I) 0115 - Variants in this gene are known to have variable expressivity. Intrafamilial variability has been observed (PMID: 32200603). (I) 0200 - Variant is predicted to result in a missense amino acid change from aspartic acid to valine. (I) 0251 - This variant is heterozygous. (I) 0301 - Variant is absent from gnomAD (both v2 and v3). (SP) 0309 - An alternative amino acid change at the same position has been observed in gnomAD (v2) (5 heterozygotes, 0 homozygotes). (I) 0502 - Missense variant with conflicting in silico predictions and uninformative conservation. (I) 0600 - Variant is located in the annotated fibronectin type II domain (DECIPHER). (I) 0705 - No comparable missense variants have previous evidence for pathogenicity. (I) 0807 - This variant has no previous evidence of pathogenicity. (I) 0905 - No published segregation evidence has been identified for this variant. (I) 1007 - No published functional evidence has been identified for this variant. (I) 1208 - Inheritance information for this variant is not currently available in this individual. (I) Legend: (SP) - Supporting pathogenic, (I) - Information, (SB) - Supporting benign

Literature cited by the submitters: PubMed 29100092; PubMed 32200603.